The following is an entry in ClinVar:

NM_012338.4(TSPAN12):c.226A>G (p.Ile76Val)

Gene: TSPAN12 (tetraspanin 12; minus strand). Cytogenetic location: 7q31.31.
Variant type: single nucleotide variant.
Coding change: c.226A>G on transcript NM_012338.4 (MANE Select); coding-DNA position 226, A replaced by G.
Protein change: p.Ile76Val; replaces isoleucine 76 with valine.
Molecular consequence: missense variant.
Genome position (GRCh38, 1-based): chr7:120,838,836, T>C on the plus strand (A>G on the coding strand, the complement: TSPAN12 is on the minus strand). VCF-style: chr7-120838836-T-C. GRCh37 (hg19) VCF-style: chr7-120478890-T-C.
Other names: short protein forms I76V.
Identifiers: ClinVar variation 3645197 (VCV003645197.2).

ClinVar aggregate classification (germline): Uncertain significance (1 of 4 stars; one submission).

gnomAD v4.1: 2 of 1,613,802 alleles (0.00012%); highest among the groups gnomAD compares: South Asian, 0.0022%; no homozygotes.

Submission:

Labcorp Genetics (formerly Invitae), Labcorp
Classification: Uncertain significance. Last evaluated: 2024-08-01. Review status: criteria provided, single submitter. Criteria: Invitae Variant Classification Sherloc (09022015). Collection method: clinical testing. Allele origin: germline.
Comment: This sequence change replaces isoleucine, which is neutral and non-polar, with valine, which is neutral and non-polar, at codon 76 of the TSPAN12 protein (p.Ile76Val). This variant is present in population databases (no rsID available, gnomAD 0.003%). This variant has not been reported in the literature in individuals affected with TSPAN12-related conditions. Advanced modeling of protein sequence and biophysical properties (such as structural, functional, and spatial information, amino acid conservation, physicochemical variation, residue mobility, and thermodynamic stability) performed at Invitae indicates that this missense variant is not expected to disrupt TSPAN12 protein function with a negative predictive value of 80%. In summary, the available evidence is currently insufficient to determine the role of this variant in disease. Therefore, it has been classified as a Variant of Uncertain Significance.